The following is an entry in ClinVar:

NM_005857.5(ZMPSTE24):c.401del (p.Ser134fs)

Gene: ZMPSTE24 (zinc metallopeptidase STE24; plus strand). Cytogenetic location: 1p34.2.
Variant type: Deletion.
Coding change: c.401del on transcript NM_005857.5 (MANE Select); coding-DNA position 401, one base deleted (G; older notation c.401delG).
Protein change: p.Ser134fs; shifts the reading frame from serine 134.
Molecular consequence: frameshift variant.
Genome position (GRCh38, 1-based): chr1:40,268,462, G deleted. VCF-style (leftmost placement, unchanged base first): chr1-40268461-AG-A. GRCh37 (hg19) VCF-style: chr1-40734133-AG-A.
Other names: c.401del (LRG_212t1); short protein forms S134fs.
Identifiers: ClinVar variation 140526 (VCV000140526.1), dbSNP rs281875366, ClinGen allele CA232748.
Genomic context (GRCh38, chr1:40,268,461, plus strand): 5'-GTTTTTTCTTTTGTTTAGATCACTCAGTCCCTGGTGTTTCTGCTGTTGGCTACACTTTTC[AG>A]TGCATTGACTGGTTTGCCATGGAGTCTTTATAATACTTTTGTGATAGAAGAAAAACATGG-3'

ClinVar aggregate classification (germline): not provided (0 of 4 stars; one submission).

Submission:

ZMPSTE24 homepage - Leiden Muscular Dystrophy pages
No classification provided. Review status: no classification provided. Collection method: not provided. Allele origin: germline.
Comment: probably has functional consequence